The following is an entry in ClinVar:

NM_000262.3(NAGA):c.493C>T (p.Arg165Trp)

Genes: NAGA (alpha-N-acetylgalactosaminidase; minus strand), LOC126863160 (CDK7 strongly-dependent group 2 enhancer GRCh37_chr22:42462918-42464117; plus strand). Cytogenetic location: 22q13.2.
Variant type: single nucleotide variant.
Coding change: c.493C>T on transcript NM_000262.3 (MANE Select); coding-DNA position 493, C replaced by T.
Protein change: p.Arg165Trp; replaces arginine 165 with tryptophan.
Molecular consequence: missense variant.
Genome position (GRCh38, 1-based): chr22:42,067,122, G>A on the plus strand (C>T on the coding strand, the complement: NAGA is on the minus strand). VCF-style: chr22-42067122-G-A. GRCh37 (hg19) VCF-style: chr22-42463126-G-A.
Other names: c.493C>T, p.Arg165Trp (NM_001362848.1, NM_001362850.1); short protein forms R165W.
Identifiers: ClinVar variation 899382 (VCV000899382.14), dbSNP rs200080569, ClinGen allele CA10263807.

ClinVar aggregate classification (germline): Uncertain significance. Review status: criteria provided, multiple submitters, no conflicts (2 of 4 stars). 6 submissions from 5 submitters: Uncertain significance (6). Last evaluated 2025-04-14.

Conditions:
Alpha-N-acetylgalactosaminidase deficiency type 2. Also called: ALPHA-N-ACETYLGALACTOSAMINIDASE DEFICIENCY, TYPE II; NAGA DEFICIENCY, TYPE II; SCHINDLER DISEASE, TYPE II. Identifiers: Orphanet 3137, Orphanet 79280, MedGen C1836522, MONDO:0012222, OMIM 609242.
Alpha-N-acetylgalactosaminidase deficiency type 1. Also called: SCHINDLER DISEASE, TYPE I; ALPHA-N-ACETYLGALACTOSAMINIDASE DEFICIENCY, TYPE I; NAGA DEFICIENCY, TYPE I; NEUROAXONAL DYSTROPHY, SCHINDLER TYPE. Identifiers: Orphanet 3137, Orphanet 79279, Orphanet 79281, MedGen C1836544, MONDO:0012221, OMIM 609241.

Allele frequency attached by ClinVar (database versions not stated): ESP Exome Variant Server 0.00008; gnomAD exomes 0.00012 and 0.00032; TOPMed 0.00014; ExAC 0.00015; gnomAD 0.00015 and 0.00017.
gnomAD v4.1: 522 of 1,613,834 alleles (0.032%); highest among the groups gnomAD compares: Non-Finnish European, 0.039%; no homozygotes.

Submissions (6):

GeneDx
Classification: Uncertain significance. Last evaluated: 2025-04-14. Review status: criteria provided, single submitter. Criteria: GeneDx Variant Classification Process June 2021. Collection method: clinical testing. Allele origin: germline. Affected: yes.
Comment: In silico analysis supports that this missense variant has a deleterious effect on protein structure/function; This variant is associated with the following publications: (PMID: 34867278)

Labcorp Genetics (formerly Invitae), Labcorp
Classification: Uncertain significance for Alpha-N-acetylgalactosaminidase deficiency type 1. Last evaluated: 2022-10-13. Review status: criteria provided, single submitter. Criteria: Invitae Variant Classification Sherloc (09022015). Collection method: clinical testing. Allele origin: germline.
Comment: This sequence change replaces arginine, which is basic and polar, with tryptophan, which is neutral and slightly polar, at codon 165 of the NAGA protein (p.Arg165Trp). This variant is present in population databases (rs200080569, gnomAD 0.02%). This variant has not been reported in the literature in individuals affected with NAGA-related conditions. ClinVar contains an entry for this variant (Variation ID: 899382). Advanced modeling of protein sequence and biophysical properties (such as structural, functional, and spatial information, amino acid conservation, physicochemical variation, residue mobility, and thermodynamic stability) performed at Invitae indicates that this missense variant is not expected to disrupt NAGA protein function. In summary, the available evidence is currently insufficient to determine the role of this variant in disease. Therefore, it has been classified as a Variant of Uncertain Significance.

Mayo Clinic Laboratories, Mayo Clinic
Classification: Uncertain significance. Last evaluated: 2021-09-29. Review status: criteria provided, single submitter. Criteria: ACMG Guidelines, 2015. Collection method: clinical testing. Allele origin: germline.

Illumina Laboratory Services, Illumina
Classification: Uncertain significance for Alpha-N-acetylgalactosaminidase deficiency type 2. Last evaluated: 2018-01-12. Review status: criteria provided, single submitter. Criteria: ICSL Variant Classification Criteria 13 December 2019. Collection method: clinical testing. Allele origin: germline.

Illumina Laboratory Services, Illumina
Classification: Uncertain significance for Alpha-N-acetylgalactosaminidase deficiency type 1. Last evaluated: 2018-01-12. Review status: criteria provided, single submitter. Criteria: ICSL Variant Classification Criteria 13 December 2019. Collection method: clinical testing. Allele origin: germline.

Breakthrough Genomics
Classification: Uncertain significance. Review status: criteria provided, single submitter. Criteria: ACMG Guidelines, 2015. Collection method: not provided. Allele origin: germline. Inheritance: Autosomal dominant inheritance. Affected: yes.